The following is an entry in ClinVar:

NM_000548.5(TSC2):c.194G>C (p.Cys65Ser)

Gene: TSC2 (TSC complex subunit 2; plus strand). Cytogenetic location: 16p13.3.
Variant type: single nucleotide variant.
Coding change: c.194G>C on transcript NM_000548.5 (MANE Select); coding-DNA position 194, G replaced by C.
Protein change: p.Cys65Ser; replaces cysteine 65 with serine.
Molecular consequence: missense variant. On other transcripts: 5 prime UTR variant (20), non-coding transcript variant (5).
Genome position (GRCh38, 1-based): chr16:2,050,455, G>C. VCF-style: chr16-2050455-G-C. GRCh37 (hg19) VCF-style: chr16-2100456-G-C.
Other names: c.194G>C, p.Cys65Ser (NM_001406667.1, NM_001406668.1, NM_001406670.1 and 13 more transcripts); c.47G>C, p.Cys16Ser (NM_001406675.1, NM_001406676.1, NM_001406677.1 and 2 more transcripts); c.-623G>C (NM_001406680.1, NM_001406683.1, NM_001406687.1); c.-252G>C (NM_001406681.1); c.-33G>C (NM_001406682.1, NM_001406684.1, NM_001406685.1 and 3 more transcripts); c.-1238G>C (NM_001406689.1, NM_001406690.1, NM_001406691.1 and 2 more transcripts); c.-1544G>C (NM_001406693.1); c.-1119G>C (NM_001406694.1, NM_001406695.1); and 3 more; short protein forms C16S, C65S, C76S.
Identifiers: ClinVar variation 4826467 (VCV004826467.1).

ClinVar aggregate classification (germline): Uncertain significance (1 of 4 stars; one submission).

Conditions:
Hereditary cancer-predisposing syndrome. Also called: Neoplastic Syndromes, Hereditary; Tumor predisposition; Hereditary Cancer Syndrome; Hereditary neoplastic syndrome. Identifiers: Orphanet 140162, MedGen C0027672, MeSH D009386, MONDO:0015356.

Submission:

Ambry Genetics
Classification: Uncertain significance for Hereditary cancer-predisposing syndrome. Last evaluated: 2026-03-06. Review status: criteria provided, single submitter. Criteria: Ambry Variant Classification Scheme 2023. Collection method: clinical testing. Allele origin: germline.
Comment: The p.C65S variant (also known as c.194G>C), located in coding exon 2 of the TSC2 gene, results from a G to C substitution at nucleotide position 194. The cysteine at codon 65 is replaced by serine, an amino acid with dissimilar properties. This amino acid position is highly conserved in available vertebrate species. In addition, the in silico prediction for this alteration is inconclusive. Based on the available evidence, the clinical significance of this variant remains unclear.